The following is an entry in ClinVar:

ClinVar aggregate classification (germline): Likely benign (1 of 4 stars; one submission).

Conditions:
AGL-related disorder. Also called: AGL-related condition.

Submission:

PreventionGenetics, part of Exact Sciences
Classification: Likely benign for AGL-related condition. Last evaluated: 2025-12-02. Review status: criteria provided, single submitter. Criteria: ACMG Guidelines, 2015. Collection method: clinical testing. Allele origin: germline.
Comment: This variant is classified as likely benign based on ACMG/AMP sequence variant interpretation guidelines (Richards et al. 2015 PMID: 25741868, with internal and published modifications).

NM_000642.3(AGL):c.2433+8G>T

Gene: AGL (amylo-alpha-1,6-glucosidase and 4-alpha-glucanotransferase; plus strand). Cytogenetic location: 1p21.2.
Variant type: single nucleotide variant.
Coding change: c.2433+8G>T on transcript NM_000642.3 (MANE Select); 8 bases into the intron after coding-DNA position 2433, G replaced by T.
Molecular consequence: intron variant.
Genome position (GRCh38, 1-based): chr1:99,884,252, G>T. VCF-style: chr1-99884252-G-T. GRCh37 (hg19) VCF-style: chr1-100349808-G-T.
Other names: c.2433+8G>T (NM_000643.3, NM_000644.3, NM_001425326.1 and 2 more transcripts); c.2385+8G>T (NM_000646.3); c.2232+8G>T (NM_001425327.1); c.2229+8G>T (NM_001425328.1, NM_001425329.1); c.2055+8G>T (NM_001425332.1).
Identifiers: ClinVar variation 4990853 (VCV004990853.1).